The following is an entry in ClinVar:

ClinVar aggregate classification (germline): Uncertain significance (1 of 4 stars; one submission).

Submission:

Labcorp Genetics (formerly Invitae), Labcorp
Classification: Uncertain significance. Last evaluated: 2019-06-29. Review status: criteria provided, single submitter. Criteria: Invitae Variant Classification Sherloc (09022015). Collection method: clinical testing. Allele origin: germline.
Comment: This variant is not present in population databases (ExAC no frequency). This sequence change replaces arginine with glycine at codon 1324 of the POLE protein (p.Arg1324Gly). The arginine residue is highly conserved and there is a moderate physicochemical difference between arginine and glycine. This variant has not been reported in the literature in individuals with POLE-related conditions. In summary, the available evidence is currently insufficient to determine the role of this variant in disease. Therefore, it has been classified as a Variant of Uncertain Significance. Algorithms developed to predict the effect of missense changes on protein structure and function are either unavailable or do not agree on the potential impact of this missense change (SIFT: "Deleterious"; PolyPhen-2: "Possibly Damaging"; Align-GVGD: "Class C15").

NM_006231.4(POLE):c.3970C>G (p.Arg1324Gly)

Gene: POLE (DNA polymerase epsilon, catalytic subunit; minus strand). Cytogenetic location: 12q24.33.
Variant type: single nucleotide variant.
Coding change: c.3970C>G on transcript NM_006231.4 (MANE Select); coding-DNA position 3970, C replaced by G.
Protein change: p.Arg1324Gly; replaces arginine 1324 with glycine.
Molecular consequence: missense variant.
Genome position (GRCh38, 1-based): chr12:132,649,341, G>C on the plus strand (C>G on the coding strand, the complement: POLE is on the minus strand). VCF-style: chr12-132649341-G-C. GRCh37 (hg19) VCF-style: chr12-133225927-G-C.
Other names: short protein forms R1324G.
Identifiers: ClinVar variation 947049 (VCV000947049.9), dbSNP rs779464847, ClinGen allele CA387384798.